The following is an entry in ClinVar:

NM_001256545.2(MEGF10):c.*625A>G

Gene: MEGF10 (multiple EGF like domains 10; plus strand). Cytogenetic location: 5q23.2.
Variant type: single nucleotide variant.
Coding change: c.*625A>G on transcript NM_001256545.2 (MANE Select); 625 bases downstream of the stop codon, A replaced by G.
Molecular consequence: 3 prime UTR variant.
Genome position (GRCh38, 1-based): chr5:127,457,943, A>G. VCF-style: chr5-127457943-A-G. GRCh37 (hg19) VCF-style: chr5-126793635-A-G.
Other names: c.*625A>G (NM_032446.3).
Identifiers: ClinVar variation 350681 (VCV000350681.5), dbSNP rs72790451, ClinGen allele CA10622517.

ClinVar aggregate classification (germline): Benign (1 of 4 stars; one submission).

Conditions:
MEGF10-related myopathy (CMYO10A). Also called: Congenital myopathy 10A, severe variant. Identifiers: Orphanet 439212, MedGen C3280679, MONDO:0013731, OMIM 614399.

Allele frequency attached by ClinVar (database versions not stated): 1000 Genomes Project 30x 0.07730; 1000 Genomes Project 0.08087; TOPMed 0.09196; gnomAD 0.10321 and 0.10347; gnomAD exomes 0.16667.
gnomAD v4.1: 15,724 of 152,274 alleles (10%); highest among the groups gnomAD compares: Non-Finnish European, 13%; 940 homozygotes.

Submission:

Illumina Laboratory Services, Illumina
Classification: Benign for MEGF10-related myopathy. Last evaluated: 2018-01-12. Review status: criteria provided, single submitter. Criteria: ICSL Variant Classification Criteria 13 December 2019. Collection method: clinical testing. Allele origin: germline.
Comment: This variant was observed in the ICSL laboratory as part of a predisposition screen in an ostensibly healthy population. It had not been previously curated by ICSL or reported in the Human Gene Mutation Database (HGMD: prior to June 1st, 2018), and was therefore a candidate for classification through an automated scoring system. Utilizing variant allele frequency, disease prevalence and penetrance estimates, and inheritance mode, an automated score was calculated to assess if this variant is too frequent to cause the disease. Based on the score and internal cut-off values, a variant classified as benign is not then subjected to further curation. The score for this variant resulted in a classification of benign for this disease.